The following is an entry in ClinVar:

NC_000002.11:g.(?_145274825)_(145274988_?)del

Gene: ZEB2 (zinc finger E-box binding homeobox 2; minus strand). Cytogenetic location: 2q22.3.
Variant type: Deletion.
Identifiers: ClinVar variation 1456429 (VCV001456429.5).

ClinVar aggregate classification (germline): Pathogenic (1 of 4 stars; one submission).

Conditions:
Mowat-Wilson syndrome (MOWS). Also called: Classic Mowat-Wilson Syndrome. Identifiers: Orphanet 2152, MedGen C1856113, MONDO:0009341, OMIM 235730.

Submission:

Labcorp Genetics (formerly Invitae), Labcorp
Classification: Pathogenic for Mowat-Wilson syndrome. Last evaluated: 2023-01-20. Review status: criteria provided, single submitter. Criteria: Invitae Variant Classification Sherloc (09022015). Collection method: clinical testing. Allele origin: germline.
Comment: This variant has not been reported in the literature in individuals affected with ZEB2-related conditions. This variant is a gross deletion of the genomic region encompassing exon(s) 2 of the ZEB2 gene, which includes the initiator codon. This deletion extends beyond the assayed region for this gene and therefore may encompass additional genes. It is expected to result in an absent or disrupted protein product. Loss-of-function variants in ZEB2 are known to be pathogenic (PMID: 16053902). For these reasons, this variant has been classified as Pathogenic.

Literature cited by the submitters: PubMed 16053902.